The following is an entry in ClinVar:

ClinVar aggregate classification (germline): Uncertain significance. Review status: criteria provided, multiple submitters, no conflicts (2 of 4 stars). 2 submissions from 2 submitters: Uncertain significance (2). Last evaluated 2024-11-25.

Conditions:
Inborn genetic diseases. Identifiers: MedGen C0950123, MeSH D030342.
Fanconi anemia (FA). Also called: Fanconi's anemia. Identifiers: Orphanet 84, MedGen C0015625, MeSH D005199, MONDO:0019391.

Allele frequency attached by ClinVar (database versions not stated): gnomAD 0.00001 and 0.00002; gnomAD exomes 0.00001 and 0.00002; TOPMed 0.00001; ExAC 0.00002.
gnomAD v4.1: 12 of 1,613,650 alleles (0.00074%); highest among the groups gnomAD compares: Non-Finnish European, 0.001%; no homozygotes.

Submissions (2):

Ambry Genetics
Classification: Uncertain significance for Inborn genetic diseases. Last evaluated: 2024-11-25. Review status: criteria provided, single submitter. Criteria: Ambry Variant Classification Scheme 2023. Collection method: clinical testing. Allele origin: germline.
Comment: The p.K639E variant (also known as c.1915A>G), located in coding exon 11 of the FANCM gene, results from an A to G substitution at nucleotide position 1915. The lysine at codon 639 is replaced by glutamic acid, an amino acid with similar properties. This amino acid position is conserved. In addition, this alteration is predicted to be tolerated by in silico analysis. Based on the available evidence, the clinical significance of this variant remains unclear.

Labcorp Genetics (formerly Invitae), Labcorp
Classification: Uncertain significance for Fanconi anemia. Last evaluated: 2021-01-15. Review status: criteria provided, single submitter. Criteria: Invitae Variant Classification Sherloc (09022015). Collection method: clinical testing. Allele origin: germline.
Comment: This sequence change replaces lysine with glutamic acid at codon 639 of the FANCM protein (p.Lys639Glu). The lysine residue is moderately conserved and there is a small physicochemical difference between lysine and glutamic acid. This variant is present in population databases (rs745669373, ExAC 0.004%). This variant has not been reported in the literature in individuals with FANCM-related conditions. Algorithms developed to predict the effect of missense changes on protein structure and function (SIFT, PolyPhen-2, Align-GVGD) all suggest that this variant is likely to be tolerated, but these predictions have not been confirmed by published functional studies and their clinical significance is uncertain. In summary, the available evidence is currently insufficient to determine the role of this variant in disease. Therefore, it has been classified as a Variant of Uncertain Significance.

NM_020937.4(FANCM):c.1915A>G (p.Lys639Glu)

Gene: FANCM (FA complementation group M; plus strand). Cytogenetic location: 14q21.2.
Variant type: single nucleotide variant.
Coding change: c.1915A>G on transcript NM_020937.4 (MANE Select); coding-DNA position 1915, A replaced by G.
Protein change: p.Lys639Glu; replaces lysine 639 with glutamic acid.
Molecular consequence: missense variant.
Genome position (GRCh38, 1-based): chr14:45,167,076, A>G. VCF-style: chr14-45167076-A-G. GRCh37 (hg19) VCF-style: chr14-45636279-A-G.
Other names: c.1915A>G (NM_020937.2); c.1837A>G, p.Lys613Glu (NM_001308133.2); c.1915A>G, p.Lys639Glu (NM_001308134.2); short protein forms K613E, K639E.
Identifiers: ClinVar variation 1443817 (VCV001443817.9), dbSNP rs745669373, ClinGen allele CA7169181.